The following is an entry in ClinVar:

NM_001367624.2(ZNF469):c.4433C>G (p.Ser1478Cys)

Gene: ZNF469 (zinc finger protein 469; plus strand). Cytogenetic location: 16q24.2.
Variant type: single nucleotide variant.
Coding change: c.4433C>G on transcript NM_001367624.2 (MANE Select); coding-DNA position 4433, C replaced by G.
Protein change: p.Ser1478Cys; replaces serine 1478 with cysteine.
Molecular consequence: missense variant.
Genome position (GRCh38, 1-based): chr16:88,431,903, C>G. VCF-style: chr16-88431903-C-G. GRCh37 (hg19) VCF-style: chr16-88498311-C-G.
Other names: NM_001127464.1:c.4349C>G; NM_001127464.2:c.4349C>G; short protein forms S1478C.
Identifiers: ClinVar variation 1501102 (VCV001501102.10), dbSNP rs751396157, ClinGen allele CA8224954.
Genomic context (GRCh38, chr16:88,431,903, plus strand): 5'-ACCTGCCGGTGGACAGATTCGACCCACCCCTCTATGGCAGCCTGTCTGCGAACAGGGACT[C>G]CGGTCTGCCGTTCGCATGTGCCGACCCTCCCCAGAAGACGGTGCCGTCAGATCCACCGTA-3'
Protein context (NP_001354553.1, residues 1468-1488): LYGSLSANRD[Ser1478Cys]GLPFACADPP

ClinVar aggregate classification (germline): Conflicting classifications of pathogenicity. Review status: criteria provided, conflicting classifications (1 of 4 stars). 4 submissions from 4 submitters: Uncertain significance (3); Likely benign (1). Last evaluated 2026-03-09.

Conditions:
ZNF469-related disorder. Also called: ZNF469-related condition.
Cardiovascular phenotype. Identifiers: MedGen CN230736.

Allele frequency attached by ClinVar (database versions not stated): gnomAD exomes 0.00001 and 0.00004; TOPMed 0.00003; gnomAD 0.00004; ExAC 0.00010.
gnomAD v4.1: 23 of 1,549,688 alleles (0.0015%); highest among the groups gnomAD compares: East Asian, 0.029%; no homozygotes.

Submissions (4):

PreventionGenetics, part of Exact Sciences
Classification: Uncertain significance for ZNF469-related condition. Last evaluated: 2026-03-09. Review status: criteria provided, single submitter. Criteria: ACMG Guidelines, 2015. Collection method: clinical testing. Allele origin: germline.
Comment: The ZNF469 c.4349C>G variant is predicted to result in the amino acid substitution p.Ser1450Cys. To our knowledge, this variant has not been reported in the literature. This variant is reported in 0.048% of alleles in individuals of East Asian descent in gnomAD. At this time, the clinical significance of this variant is uncertain due to the absence of conclusive functional and genetic evidence.

Labcorp Genetics (formerly Invitae), Labcorp
Classification: Uncertain significance. Last evaluated: 2024-07-01. Review status: criteria provided, single submitter. Criteria: Invitae Variant Classification Sherloc (09022015). Collection method: clinical testing. Allele origin: germline.
Comment: This sequence change replaces serine, which is neutral and polar, with cysteine, which is neutral and slightly polar, at codon 1450 of the ZNF469 protein (p.Ser1450Cys). This variant is present in population databases (rs751396157, gnomAD 0.05%). This variant has not been reported in the literature in individuals affected with ZNF469-related conditions. ClinVar contains an entry for this variant (Variation ID: 1501102). An algorithm developed to predict the effect of missense changes on protein structure and function (PolyPhen-2) suggests that this variant¬†is likely to be tolerated. In summary, the available evidence is currently insufficient to determine the role of this variant in disease. Therefore, it has been classified as a Variant of Uncertain Significance.

GeneDx
Classification: Uncertain significance. Last evaluated: 2023-05-30. Review status: criteria provided, single submitter. Criteria: GeneDx Variant Classification Process June 2021. Collection method: clinical testing. Allele origin: germline. Affected: yes.
Comment: In silico analysis supports that this missense variant does not alter protein structure/function; Has not been previously published as pathogenic or benign to our knowledge

Ambry Genetics
Classification: Likely benign for Cardiovascular phenotype. Last evaluated: 2022-08-20. Review status: criteria provided, single submitter. Criteria: Ambry Variant Classification Scheme 2023. Collection method: clinical testing. Allele origin: germline.